The following is an entry in ClinVar:

NM_001377458.1(CLCC1):c.158del (p.Asp53fs)

Gene: CLCC1 (chloride channel CLIC like 1; minus strand). Cytogenetic location: 1p13.3.
Variant type: Deletion.
Coding change: c.158del on transcript NM_001377458.1 (MANE Select); coding-DNA position 158, one base deleted (A; older notation c.158delA).
Protein change: p.Asp53fs; shifts the reading frame from aspartic acid 53.
Molecular consequence: frameshift variant. On other transcripts: 5 prime UTR variant (1), non-coding transcript variant (1), intron variant (1).
Genome position (GRCh38, 1-based): chr1:108,949,893, T deleted on the plus strand (A on the coding strand, the reverse complement: CLCC1 is on the minus strand). VCF-style (leftmost placement, unchanged base first): chr1-108949892-AT-A. GRCh37 (hg19) VCF-style: chr1-109492514-AT-A.
Other names: c.158del, p.Asp53fs (NM_001048210.3, NM_001278202.2, NM_001278203.1 and 11 more transcripts); c.-305del (NM_001377470.1); c.129+416del (NM_001377469.1); short protein forms D53fs.
Identifiers: ClinVar variation 2074727 (VCV002074727.4), dbSNP rs1654979827, ClinGen allele CA1005596506.

ClinVar aggregate classification (germline): Uncertain significance (1 of 4 stars; one submission).

Allele frequency attached by ClinVar (database versions not stated): gnomAD 0.00001.

Submission:

Labcorp Genetics (formerly Invitae), Labcorp
Classification: Uncertain significance. Last evaluated: 2025-05-12. Review status: criteria provided, single submitter. Criteria: Invitae Variant Classification Sherloc (09022015). Collection method: clinical testing. Allele origin: germline.
Comment: This sequence change creates a premature translational stop signal (p.Asp53Valfs*22) in the CLCC1 gene. It is expected to result in an absent or disrupted protein product. However, the current clinical and genetic evidence is not sufficient to establish whether loss-of-function variants in CLCC1 cause disease. This variant is not present in population databases (gnomAD no frequency). This variant has not been reported in the literature in individuals affected with CLCC1-related conditions. ClinVar contains an entry for this variant (Variation ID: 2074727). In summary, the available evidence is currently insufficient to determine the role of this variant in disease. Therefore, it has been classified as a Variant of Uncertain Significance.